The following is an entry in ClinVar:

NM_003743.5(NCOA1):c.104G>T (p.Arg35Leu)

Gene: NCOA1 (nuclear receptor coactivator 1; plus strand). Cytogenetic location: 2p23.3.
Variant type: single nucleotide variant.
Coding change: c.104G>T on transcript NM_003743.5 (MANE Select); coding-DNA position 104, G replaced by T.
Protein change: p.Arg35Leu; replaces arginine 35 with leucine.
Molecular consequence: missense variant.
Genome position (GRCh38, 1-based): chr2:24,665,763, G>T. VCF-style: chr2-24665763-G-T. GRCh37 (hg19) VCF-style: chr2-24888632-G-T.
Other names: c.104G>T, p.Arg35Leu (NM_001362950.1, NM_001362952.1, NM_001362954.1 and 3 more transcripts); short protein forms R35L.
Identifiers: ClinVar variation 4993373 (VCV004993373.1).

ClinVar aggregate classification (germline): Uncertain significance (1 of 4 stars; one submission).

Conditions:
NCOA1-related disorder. Also called: NCOA1-related condition.

gnomAD v4.1: 28 of 1,576,244 alleles (0.0018%); highest among the groups gnomAD compares: Non-Finnish European, 0.0022%; no homozygotes.

Submission:

PreventionGenetics, part of Exact Sciences
Classification: Uncertain significance for NCOA1-related condition. Last evaluated: 2026-08-10. Review status: criteria provided, single submitter. Criteria: ACMG Guidelines, 2015. Collection method: clinical testing. Allele origin: germline.
Comment: The NCOA1 c.104G>T variant is predicted to result in the amino acid substitution p.Arg35Leu. To our knowledge, this variant has not been reported in the literature. This variant is reported in 0.00081% of alleles in individuals of European (Non-Finnish) descent in gnomAD. At this time, the clinical significance of this variant is uncertain due to the absence of conclusive functional and genetic evidence.